The following is an entry in ClinVar:

NM_003072.5(SMARCA4):c.1560G>A (p.Glu520=)

Gene: SMARCA4 (SWI/SNF related BAF chromatin remodeling complex subunit ATPase 4; plus strand). Cytogenetic location: 19p13.2.
Variant type: single nucleotide variant.
Coding change: c.1560G>A on transcript NM_003072.5 (MANE Select); coding-DNA position 1560, G replaced by A.
Protein change: p.Glu520=; no amino-acid change (glutamic acid 520 retained).
Molecular consequence: synonymous variant. On other transcripts: non-coding transcript variant (1).
Genome position (GRCh38, 1-based): chr19:10,994,968, G>A. VCF-style: chr19-10994968-G-A. GRCh37 (hg19) VCF-style: chr19-11105644-G-A.
Other names: c.1560G>A, p.Glu520= (NM_001128844.3, NM_001128845.2, NM_001128846.2 and 5 more transcripts).
Identifiers: ClinVar variation 484886 (VCV000484886.17), dbSNP rs1555762139, ClinGen allele CA505490358.

ClinVar aggregate classification (germline): Benign/Likely benign. Review status: criteria provided, multiple submitters, no conflicts (2 of 4 stars). 3 submissions from 3 submitters: Benign (1); Likely benign (2). Last evaluated 2026-07-10.

Conditions:
Hereditary cancer-predisposing syndrome. Also called: Tumor predisposition; Neoplastic Syndromes, Hereditary; Hereditary Cancer Syndrome; Hereditary neoplastic syndrome. Identifiers: Orphanet 140162, MedGen C0027672, MeSH D009386, MONDO:0015356.
Rhabdoid tumor predisposition syndrome 2 (RTPS2). Identifiers: Orphanet 231108, Orphanet 69077, MedGen C2750074, MONDO:0013224, OMIM 613325.

Allele frequency attached by ClinVar (database versions not stated): gnomAD exomes 0.00001; TOPMed below 0.00001.
gnomAD v4.1: 3 of 1,613,916 alleles (0.00019%); highest among the groups gnomAD compares: Non-Finnish European, 0.00025%; no homozygotes.

Submissions (3):

Myriad Genetics, Inc.
Classification: Benign for Rhabdoid tumor predisposition syndrome 2. Last evaluated: 2026-07-10. Review status: criteria provided, single submitter. Criteria: Myriad Autosomal Dominant, Autosomal Recessive and X-Linked Classification Criteria (2023). Collection method: clinical testing. Allele origin: unknown.
Comment: This variant is considered benign. This variant is a silent/synonymous amino acid change and it is not expected to impact splicing.

Labcorp Genetics (formerly Invitae), Labcorp
Classification: Likely benign for Rhabdoid tumor predisposition syndrome 2. Last evaluated: 2026-01-20. Review status: criteria provided, single submitter. Criteria: Invitae Variant Classification Sherloc (09022015). Collection method: clinical testing. Allele origin: germline.

Ambry Genetics
Classification: Likely benign for Hereditary cancer-predisposing syndrome. Last evaluated: 2016-08-08. Review status: criteria provided, single submitter. Criteria: Ambry Variant Classification Scheme 2023. Collection method: clinical testing. Allele origin: germline.